The following is an entry in ClinVar:

ClinVar aggregate classification (germline): Benign/Likely benign. Review status: criteria provided, multiple submitters, no conflicts (2 of 4 stars). 3 submissions from 3 submitters: Benign (1); Likely benign (2). Last evaluated 2025-08-07.

Conditions:
Hereditary cancer-predisposing syndrome. Also called: Neoplastic Syndromes, Hereditary; Tumor predisposition; Hereditary Cancer Syndrome; Hereditary neoplastic syndrome. Identifiers: Orphanet 140162, MedGen C0027672, MeSH D009386, MONDO:0015356.
Pheochromocytoma/paraganglioma syndrome 3. Also called: GLOMUS TUMORS, FAMILIAL, 3; Paragangliomas 3; SDHC-Related Hereditary Paraganglioma-Pheochromocytoma Syndrome (Paragangliomas 3); SDHC-Related Hereditary Paraganglioma-Pheochromocytoma Syndrome. Identifiers: Orphanet 29072, MedGen C1854336, MONDO:0011544, OMIM 605373.
Gastrointestinal stromal tumor. Also called: Gastrointestinal stromal tumor, somatic; Gastrointestinal stroma tumor. Identifiers: Orphanet 44890, MedGen C0238198, MeSH D046152, MONDO:0011719, OMIM 606764, HP:0100723.

Submissions (3):

Labcorp Genetics (formerly Invitae), Labcorp
Classification: Likely benign for Pheochromocytoma/paraganglioma syndrome 3; Gastrointestinal stromal tumor. Last evaluated: 2025-08-07. Review status: criteria provided, single submitter. Criteria: Invitae Variant Classification Sherloc (09022015). Collection method: clinical testing. Allele origin: germline.

Myriad Genetics, Inc.
Classification: Benign for Pheochromocytoma/paraganglioma syndrome 3. Last evaluated: 2025-03-13. Review status: criteria provided, single submitter. Criteria: Myriad Autosomal Dominant, Autosomal Recessive and X-Linked Classification Criteria (2023). Collection method: clinical testing. Allele origin: unknown.
Comment: This variant is considered benign. This variant is a silent/synonymous amino acid change and it is not expected to impact splicing.

Ambry Genetics
Classification: Likely benign for Hereditary cancer-predisposing syndrome. Last evaluated: 2022-01-07. Review status: criteria provided, single submitter. Criteria: Ambry Variant Classification Scheme 2023. Collection method: clinical testing. Allele origin: germline.

NM_003001.5(SDHC):c.9G>T (p.Ala3=)

Gene: SDHC (succinate dehydrogenase complex subunit C; plus strand). Cytogenetic location: 1q23.3.
Variant type: single nucleotide variant.
Coding change: c.9G>T on transcript NM_003001.5 (MANE Select); coding-DNA position 9, G replaced by T.
Protein change: p.Ala3=; no amino-acid change (alanine 3 retained).
Molecular consequence: synonymous variant. On other transcripts: 5 prime UTR variant (2), non-coding transcript variant (1).
Genome position (GRCh38, 1-based): chr1:161,314,414, G>T. VCF-style: chr1-161314414-G-T. GRCh37 (hg19) VCF-style: chr1-161284204-G-T.
Other names: c.9G>T, p.Ala3= (NM_001035511.3, NM_001035512.3, NM_001035513.3 and 6 more transcripts); c.-552G>T (NM_001407119.1); c.-221G>T (NM_001407120.1).
Identifiers: ClinVar variation 1768940 (VCV001768940.5), dbSNP rs749265569, ClinGen allele CA421406260.